The following is an entry in ClinVar:

NM_130837.3(OPA1):c.2143T>C (p.Trp715Arg)

Gene: OPA1 (OPA1 mitochondrial dynamin like GTPase; plus strand). Cytogenetic location: 3q29.
Variant type: single nucleotide variant.
Coding change: c.2143T>C on transcript NM_130837.3 (MANE Select); coding-DNA position 2143, T replaced by C.
Protein change: p.Trp715Arg; replaces tryptophan 715 with arginine.
Molecular consequence: missense variant.
Genome position (GRCh38, 1-based): chr3:193,654,992, T>C. VCF-style: chr3-193654992-T-C. GRCh37 (hg19) VCF-style: chr3-193372781-T-C.
Other names: c.1609T>C, p.Trp537Arg (NM_001354663.2); c.1606T>C, p.Trp536Arg (NM_001354664.2); c.1978T>C, p.Trp660Arg (NM_015560.3); c.1870T>C, p.Trp624Arg (NM_130831.3); c.1924T>C, p.Trp642Arg (NM_130832.3); c.1981T>C, p.Trp661Arg (NM_130833.3); c.2032T>C, p.Trp678Arg (NM_130834.3); c.2035T>C, p.Trp679Arg (NM_130835.3); and 1 more; short protein forms W660R, W715R, W678R, W679R, W536R, W624R, W642R, W697R.
Identifiers: ClinVar variation 447897 (VCV000447897.5), dbSNP rs1553881180, ClinGen allele CA355791257.

ClinVar aggregate classification (germline): Uncertain significance. Review status: criteria provided, multiple submitters, no conflicts (2 of 4 stars). 3 submissions from 3 submitters: Uncertain significance (3). Last evaluated 2025-01-13.

Submissions (3):

Labcorp Genetics (formerly Invitae), Labcorp
Classification: Uncertain significance. Last evaluated: 2025-01-13. Review status: criteria provided, single submitter. Criteria: Invitae Variant Classification Sherloc (09022015). Collection method: clinical testing. Allele origin: germline.
Comment: This sequence change replaces tryptophan, which is neutral and slightly polar, with arginine, which is basic and polar, at codon 660 of the OPA1 protein (p.Trp660Arg). This variant is not present in population databases (gnomAD no frequency). This variant has not been reported in the literature in individuals affected with OPA1-related conditions. ClinVar contains an entry for this variant (Variation ID: 447897). Invitae Evidence Modeling of protein sequence and biophysical properties (such as structural, functional, and spatial information, amino acid conservation, physicochemical variation, residue mobility, and thermodynamic stability) indicates that this missense variant is expected to disrupt OPA1 protein function with a positive predictive value of 80%. In summary, the available evidence is currently insufficient to determine the role of this variant in disease. Therefore, it has been classified as a Variant of Uncertain Significance.

GeneDx
Classification: Uncertain significance. Last evaluated: 2018-05-22. Review status: criteria provided, single submitter. Criteria: GeneDx Variant Classification (06012015). Collection method: clinical testing. Allele origin: germline. Affected: yes.
Comment: The W660R variant in the OPA1 gene has not been reported previously as a pathogenic variant, nor as a benign variant, to our knowledge. The W660R variant is not observed in large population cohorts (Lek et al., 2016). The W660R variant is a non-conservative amino acid substitution, which is likely to impact secondary protein structure as these residues differ in polarity, charge, size and/or other properties. In-silico analyses, including protein predictors and evolutionary conservation, support a deleterious effect. We interpret W660R as a variant of uncertain significance.

Athena Diagnostics
Classification: Uncertain significance. Last evaluated: 2016-12-08. Review status: criteria provided, single submitter. Criteria: Athena Diagnostics Criteria. Collection method: clinical testing. Allele origin: germline.